The following is an entry in ClinVar:

ClinVar aggregate classification (germline): Uncertain significance. Review status: criteria provided, multiple submitters, no conflicts (2 of 4 stars). 2 submissions from 2 submitters: Uncertain significance (2). Last evaluated 2025-03-17.

Submissions (2):

Labcorp Genetics (formerly Invitae), Labcorp
Classification: Uncertain significance. Last evaluated: 2025-03-17. Review status: criteria provided, single submitter. Criteria: Invitae Variant Classification Sherloc (09022015). Collection method: clinical testing. Allele origin: germline.
Comment: This sequence change replaces tyrosine, which is neutral and polar, with cysteine, which is neutral and slightly polar, at codon 164 of the TSPAN12 protein (p.Tyr164Cys). This variant is not present in population databases (gnomAD no frequency). This variant has not been reported in the literature in individuals affected with TSPAN12-related conditions. ClinVar contains an entry for this variant (Variation ID: 1468767). Invitae Evidence Modeling of protein sequence and biophysical properties (such as structural, functional, and spatial information, amino acid conservation, physicochemical variation, residue mobility, and thermodynamic stability) has been performed for this missense variant. However, the output from this modeling did not meet the statistical confidence thresholds required to predict the impact of this variant on TSPAN12 protein function. In summary, the available evidence is currently insufficient to determine the role of this variant in disease. Therefore, it has been classified as a Variant of Uncertain Significance.

Blueprint Genetics
Classification: Uncertain significance. Last evaluated: 2020-12-21. Review status: criteria provided, single submitter. Criteria: ACMG Guidelines, 2015. Collection method: clinical testing. Allele origin: germline.

NM_012338.4(TSPAN12):c.491A>G (p.Tyr164Cys)

Gene: TSPAN12 (tetraspanin 12; minus strand). Cytogenetic location: 7q31.31.
Variant type: single nucleotide variant.
Coding change: c.491A>G on transcript NM_012338.4 (MANE Select); coding-DNA position 491, A replaced by G.
Protein change: p.Tyr164Cys; replaces tyrosine 164 with cysteine.
Molecular consequence: missense variant.
Genome position (GRCh38, 1-based): chr7:120,806,670, T>C on the plus strand (A>G on the coding strand, the complement: TSPAN12 is on the minus strand). VCF-style: chr7-120806670-T-C. GRCh37 (hg19) VCF-style: chr7-120446724-T-C.
Other names: short protein forms Y164C.
Identifiers: ClinVar variation 1468767 (VCV001468767.9), dbSNP rs1584929671, ClinGen allele CA369136496.